The following is an entry in ClinVar:

ClinVar aggregate classification (germline): Uncertain significance. Review status: criteria provided, multiple submitters, no conflicts (2 of 4 stars). 2 submissions from 2 submitters: Uncertain significance (2). Last evaluated 2026-07-07.

Conditions:
Hereditary nonpolyposis colorectal neoplasms. Identifiers: MedGen C0009405, MeSH D003123.
Hereditary cancer-predisposing syndrome. Also called: Neoplastic Syndromes, Hereditary; Hereditary Cancer Syndrome; Hereditary neoplastic syndrome; Tumor predisposition. Identifiers: Orphanet 140162, MedGen C0027672, MeSH D009386, MONDO:0015356.

Allele frequency attached by ClinVar (database versions not stated): TOPMed 0.00001; gnomAD 0.00001.
gnomAD v4.1: 1 of 1,614,086 alleles (0.000062%); highest among the groups gnomAD compares: Non-Finnish European, 0.000085%; no homozygotes.

Submissions (2):

Ambry Genetics
Classification: Uncertain significance for Hereditary cancer-predisposing syndrome. Last evaluated: 2026-07-07. Review status: criteria provided, single submitter. Criteria: Ambry Variant Classification Scheme 2023. Collection method: clinical testing. Allele origin: germline.
Comment: The p.N1124H variant (also known as c.3370A>C), located in coding exon 5 of the MSH6 gene, results from an A to C substitution at nucleotide position 3370. The asparagine at codon 1124 is replaced by histidine, an amino acid with similar properties. This amino acid position is conserved. In addition, this alteration is predicted to be tolerated by in silico analysis. Based on the available evidence, the clinical significance of this variant remains unclear.

Labcorp Genetics (formerly Invitae), Labcorp
Classification: Uncertain significance for Hereditary nonpolyposis colorectal neoplasms. Last evaluated: 2023-02-03. Review status: criteria provided, single submitter. Criteria: Invitae Variant Classification Sherloc (09022015). Collection method: clinical testing. Allele origin: germline.
Comment: In summary, the available evidence is currently insufficient to determine the role of this variant in disease. Therefore, it has been classified as a Variant of Uncertain Significance. Advanced modeling of protein sequence and biophysical properties (such as structural, functional, and spatial information, amino acid conservation, physicochemical variation, residue mobility, and thermodynamic stability) performed at Invitae indicates that this missense variant is not expected to disrupt MSH6 protein function. ClinVar contains an entry for this variant (Variation ID: 665458). This variant has not been reported in the literature in individuals affected with MSH6-related conditions. This variant is not present in population databases (gnomAD no frequency). This sequence change replaces asparagine, which is neutral and polar, with histidine, which is basic and polar, at codon 1124 of the MSH6 protein (p.Asn1124His).

NM_000179.3(MSH6):c.3370A>C (p.Asn1124His)

Gene: MSH6 (mutS homolog 6; plus strand). Cytogenetic location: 2p16.3.
Variant type: single nucleotide variant.
Coding change: c.3370A>C on transcript NM_000179.3 (MANE Select); coding-DNA position 3370, A replaced by C.
Protein change: p.Asn1124His; replaces asparagine 1124 with histidine.
Molecular consequence: missense variant.
Genome position (GRCh38, 1-based): chr2:47,803,617, A>C. VCF-style: chr2-47803617-A-C. GRCh37 (hg19) VCF-style: chr2-48030756-A-C.
Other names: c.2980A>C, p.Asn994His (NM_001281492.2); c.2464A>C, p.Asn822His (NM_001281493.2, NM_001281494.2); short protein forms N1124H, N822H, N994H.
Identifiers: ClinVar variation 665458 (VCV000665458.10), dbSNP rs1443258363, ClinGen allele CA346758798.